The following is an entry in ClinVar:

NM_019098.5(CNGB3):c.1084T>A (p.Phe362Ile)

Gene: CNGB3 (cyclic nucleotide gated channel subunit beta 3; minus strand). Cytogenetic location: 8q21.3.
Variant type: single nucleotide variant.
Coding change: c.1084T>A on transcript NM_019098.5 (MANE Select); coding-DNA position 1084, T replaced by A.
Protein change: p.Phe362Ile; replaces phenylalanine 362 with isoleucine.
Molecular consequence: missense variant.
Genome position (GRCh38, 1-based): chr8:86,643,845, A>T on the plus strand (T>A on the coding strand, the complement: CNGB3 is on the minus strand). VCF-style: chr8-86643845-A-T. GRCh37 (hg19) VCF-style: chr8-87656073-A-T.
Other names: short protein forms F362I.
Identifiers: ClinVar variation 1943463 (VCV001943463.5), dbSNP rs2538099008, ClinGen allele CA371446901.
Genomic context (GRCh38, chr8:86,643,845, plus strand): 5'-TGCCAATTCCTTCATAGTTTGAAGCCCAGTAATAAACACAGGCATTAATGTGCAGAATAA[A>T]CAGCAAGTATCCAGTTGTTCGAATAACTCTGTCAGAGAGAATAGATGCAAAGTAAGATTC-3'
Protein context (NP_061971.3, residues 352-372): RVIRTTGYLL[Phe362Ile]ILHINACVYY

ClinVar aggregate classification (germline): Uncertain significance (1 of 4 stars; one submission).

gnomAD v4.1: 1 of 1,607,200 alleles (0.000062%); highest among the groups gnomAD compares: Admixed American, 0.0017%; no homozygotes.

Submission:

Labcorp Genetics (formerly Invitae), Labcorp
Classification: Uncertain significance. Last evaluated: 2022-10-13. Review status: criteria provided, single submitter. Criteria: Invitae Variant Classification Sherloc (09022015). Collection method: clinical testing. Allele origin: germline.
Comment: In summary, the available evidence is currently insufficient to determine the role of this variant in disease. Therefore, it has been classified as a Variant of Uncertain Significance. Advanced modeling of protein sequence and biophysical properties (such as structural, functional, and spatial information, amino acid conservation, physicochemical variation, residue mobility, and thermodynamic stability) performed at Invitae indicates that this missense variant is not expected to disrupt CNGB3 protein function. This variant has not been reported in the literature in individuals affected with CNGB3-related conditions. This variant is not present in population databases (gnomAD no frequency). This sequence change replaces phenylalanine, which is neutral and non-polar, with isoleucine, which is neutral and non-polar, at codon 362 of the CNGB3 protein (p.Phe362Ile).